The following is an entry in ClinVar:

NM_001276277.3(PPIP5K2):c.1263A>G (p.Lys421=)

Gene: PPIP5K2 (diphosphoinositol pentakisphosphate kinase 2; plus strand). Cytogenetic location: 5q21.1.
Variant type: single nucleotide variant.
Coding change: c.1263A>G on transcript NM_001276277.3 (MANE Select); coding-DNA position 1263, A replaced by G.
Protein change: p.Lys421=; no amino-acid change (lysine 421 retained).
Molecular consequence: synonymous variant.
Genome position (GRCh38, 1-based): chr5:103,154,715, A>G. VCF-style: chr5-103154715-A-G. GRCh37 (hg19) VCF-style: chr5-102490419-A-G.
Other names: c.1263A>G, p.Lys421= (NM_001345874.2, NM_001345875.2, NM_001345876.2 and 7 more transcripts).
Identifiers: ClinVar variation 4872372 (VCV004872372.2).

ClinVar aggregate classification (germline): Likely benign (1 of 4 stars; one submission).

gnomAD v4.1: 1,315 of 1,584,038 alleles (0.083%); highest among the groups gnomAD compares: Middle Eastern, 0.12%; 2 homozygotes.

Submission:

CeGaT Center for Human Genetics Tuebingen
Classification: Likely benign. Last evaluated: 2026-04-01. Review status: criteria provided, single submitter. Criteria: CeGaT Center For Human Genetics Tuebingen Variant Classification Criteria Version 2. Collection method: clinical testing. Allele origin: germline. Affected: yes. Observed: 1 variant allele.
Comment: PPIP5K2: BP4, BP7